The following is an entry in ClinVar:

ClinVar aggregate classification (germline): Conflicting classifications of pathogenicity. Review status: criteria provided, conflicting classifications (1 of 4 stars). 6 submissions from 6 submitters: Uncertain significance (1); Likely benign (5). Last evaluated 2026-01-07.

Conditions:
CHSY1-related disorder. Also called: CHSY1-related condition.
Temtamy preaxial brachydactyly syndrome (TPBS). Identifiers: Orphanet 363417, MedGen C1854466, MONDO:0011533, OMIM 605282.

Allele frequency attached by ClinVar (database versions not stated): gnomAD 0.00010; gnomAD exomes 0.00016; ExAC 0.00017; 1000 Genomes Project 0.00020; ESP Exome Variant Server 0.00023; TOPMed 0.00025; 1000 Genomes Project 30x 0.00031.
gnomAD v4.1: 206 of 1,614,160 alleles (0.013%); highest among the groups gnomAD compares: Middle Eastern, 0.43%; 1 homozygote.

Submissions (6):

Labcorp Genetics (formerly Invitae), Labcorp
Classification: Likely benign for Temtamy preaxial brachydactyly syndrome. Last evaluated: 2026-01-07. Review status: criteria provided, single submitter. Criteria: Invitae Variant Classification Sherloc (09022015). Collection method: clinical testing. Allele origin: germline.

PreventionGenetics, part of Exact Sciences
Classification: Likely benign for CHSY1-related condition. Last evaluated: 2025-10-19. Review status: criteria provided, single submitter. Criteria: ACMG Guidelines, 2015. Collection method: clinical testing. Allele origin: germline.
Comment: This variant is classified as likely benign based on ACMG/AMP sequence variant interpretation guidelines (Richards et al. 2015 PMID: 25741868, with internal and published modifications).

Blueprint Genetics
Classification: Likely benign. Last evaluated: 2024-11-12. Review status: criteria provided, single submitter. Criteria: ACMG Guidelines, 2015. Collection method: clinical testing. Allele origin: germline.

CeGaT Center for Human Genetics Tuebingen
Classification: Likely benign. Last evaluated: 2022-12-01. Review status: criteria provided, single submitter. Criteria: CeGaT Center For Human Genetics Tuebingen Variant Classification Criteria Version 2. Collection method: clinical testing. Allele origin: germline. Affected: yes. Observed: 1 variant allele.
Comment: CHSY1: BP4, BP7

Athena Diagnostics
Classification: Likely benign. Last evaluated: 2019-02-27. Review status: criteria provided, single submitter. Criteria: Athena Diagnostics Criteria. Collection method: clinical testing. Allele origin: germline.

Eurofins Ntd Llc (ga)
Classification: Uncertain significance. Last evaluated: 2018-07-03. Review status: criteria provided, single submitter. Criteria: EGL ClinVar v180209 classification definitions. Collection method: clinical testing. Allele origin: germline. Observed: 1 variant allele, 1 heterozygote.

NM_014918.5(CHSY1):c.489G>A (p.Lys163=)

Gene: CHSY1 (chondroitin sulfate synthase 1; minus strand). Cytogenetic location: 15q26.3.
Variant type: single nucleotide variant.
Coding change: c.489G>A on transcript NM_014918.5 (MANE Select); coding-DNA position 489, G replaced by A.
Protein change: p.Lys163=; no amino-acid change (lysine 163 retained).
Molecular consequence: synonymous variant.
Genome position (GRCh38, 1-based): chr15:101,235,409, C>T on the plus strand (G>A on the coding strand, the complement: CHSY1 is on the minus strand). VCF-style: chr15-101235409-C-T. GRCh37 (hg19) VCF-style: chr15-101775614-C-T.
Identifiers: ClinVar variation 597735 (VCV000597735.42), dbSNP rs146047900, ClinGen allele CA7762714.
Genomic context (GRCh38, chr15:101,235,409, plus strand): 5'-GTTCTCCAGACGGTCTCCTTTGATGTACACGTCATCATCTGCTCTCATAAACCATTCATA[C>T]TTGTCCAAGTAGTGGTCGTGCATGTACTTGAGCATCATGAAGGACTTCTTCTGGGGCGGG-3'
Protein context (NP_055733.2, residues 153-173): LKYMHDHYLD[Lys163=]YEWFMRADDD